The following is an entry in ClinVar:

NM_006204.4(PDE6C):c.205G>A (p.Val69Met)

Gene: PDE6C (phosphodiesterase 6C; plus strand). Cytogenetic location: 10q23.33.
Variant type: single nucleotide variant.
Coding change: c.205G>A on transcript NM_006204.4 (MANE Select); coding-DNA position 205, G replaced by A.
Protein change: p.Val69Met; replaces valine 69 with methionine.
Molecular consequence: missense variant.
Genome position (GRCh38, 1-based): chr10:93,612,930, G>A. VCF-style: chr10-93612930-G-A. GRCh37 (hg19) VCF-style: chr10-95372687-G-A.
Other names: c.205G>A (NM_006204.3); short protein forms V69M.
Identifiers: ClinVar variation 193332 (VCV000193332.14), dbSNP rs568930062, ClinGen allele CA238849.

ClinVar aggregate classification (germline): Conflicting classifications of pathogenicity. Review status: criteria provided, conflicting classifications (1 of 4 stars). 5 submissions from 5 submitters: Uncertain significance (2); Likely benign (2). 1 of the submissions does not count toward it. Last evaluated 2025-12-01.

Conditions:
PDE6C-related disorder. Also called: PDE6C-related condition.

Allele frequency attached by ClinVar (database versions not stated): gnomAD 0.00003 and 0.00009; TOPMed 0.00003; gnomAD exomes 0.00012 and 0.00027; ExAC 0.00030; 1000 Genomes Project 30x 0.00031; 1000 Genomes Project 0.00040.
gnomAD v4.1: 193 of 1,613,996 alleles (0.012%); highest among the groups gnomAD compares: South Asian, 0.15%; 4 homozygotes.

Submissions (5):

CeGaT Center for Human Genetics Tuebingen
Classification: Likely benign. Last evaluated: 2025-12-01. Review status: criteria provided, single submitter. Criteria: CeGaT Center For Human Genetics Tuebingen Variant Classification Criteria Version 2. Collection method: clinical testing. Allele origin: germline. Affected: yes. Observed: 1 variant allele.
Comment: PDE6C: BP4, BS1

Blueprint Genetics
Classification: Likely benign. Last evaluated: 2024-11-26. Review status: criteria provided, single submitter. Criteria: ACMG Guidelines, 2015. Collection method: clinical testing. Allele origin: germline.

Labcorp Genetics (formerly Invitae), Labcorp
Classification: Uncertain significance. Last evaluated: 2022-08-03. Review status: criteria provided, single submitter. Criteria: Invitae Variant Classification Sherloc (09022015). Collection method: clinical testing. Allele origin: germline.
Comment: This sequence change replaces valine, which is neutral and non-polar, with methionine, which is neutral and non-polar, at codon 69 of the PDE6C protein (p.Val69Met). This variant is present in population databases (rs568930062, gnomAD 0.2%). This variant has not been reported in the literature in individuals affected with PDE6C-related conditions. ClinVar contains an entry for this variant (Variation ID: 193332). Algorithms developed to predict the effect of missense changes on protein structure and function output the following: SIFT: "Tolerated"; PolyPhen-2: "Benign"; Align-GVGD: "Class C0". The methionine amino acid residue is found in multiple mammalian species, which suggests that this missense change does not adversely affect protein function. In summary, the available evidence is currently insufficient to determine the role of this variant in disease. Therefore, it has been classified as a Variant of Uncertain Significance.

Eurofins Ntd Llc (ga)
Classification: Uncertain significance. Last evaluated: 2014-08-11. Review status: criteria provided, single submitter. Criteria: EGL Classification Definitions 2015. Collection method: clinical testing. Allele origin: germline. Observed: 1 variant allele, 1 heterozygote.

PreventionGenetics, part of Exact Sciences
Classification: Likely benign for PDE6C-related condition. Last evaluated: 2024-09-06. Review status: no assertion criteria provided. Collection method: clinical testing. Allele origin: germline. Not counted in ClinVar's aggregate classification.
Comment: This variant is classified as likely benign based on ACMG/AMP sequence variant interpretation guidelines (Richards et al. 2015 PMID: 25741868, with internal and published modifications).